The following is an entry in ClinVar:

ClinVar aggregate classification (germline): Uncertain significance (1 of 4 stars; one submission).

gnomAD v4.1: 8 of 1,614,198 alleles (0.0005%); highest among the groups gnomAD compares: Non-Finnish European, 0.00068%; no homozygotes.

Submission:

Greenwood Genetic Center Diagnostic Laboratories, Greenwood Genetic Center
Classification: Uncertain significance. Last evaluated: 2025-11-10. Review status: criteria provided, single submitter. Criteria: ACMG Guidelines, 2015. Collection method: clinical testing. Allele origin: germline. Affected: yes.
Comment: PM2

NM_006254.4(PRKCD):c.625A>G (p.Thr209Ala)

Gene: PRKCD (protein kinase C delta; plus strand). Cytogenetic location: 3p21.1.
Variant type: single nucleotide variant.
Coding change: c.625A>G on transcript NM_006254.4 (MANE Select); coding-DNA position 625, A replaced by G.
Protein change: p.Thr209Ala; replaces threonine 209 with alanine.
Molecular consequence: missense variant.
Genome position (GRCh38, 1-based): chr3:53,183,174, A>G. VCF-style: chr3-53183174-A-G. GRCh37 (hg19) VCF-style: chr3-53217190-A-G.
Other names: c.625A>G, p.Thr209Ala (NM_001316327.2, NM_001354679.2, NM_001354680.2 and 1 more transcripts); c.682A>G, p.Thr228Ala (NM_001354676.2); c.673A>G, p.Thr225Ala (NM_001354678.2); short protein forms T209A, T225A, T228A.
Identifiers: ClinVar variation 4845451 (VCV004845451.1).